The following is an entry in ClinVar:

NM_001242896.3(DEPDC5):c.3436C>T (p.Gln1146Ter)

Gene: DEPDC5 (DEP domain containing 5, GATOR1 subcomplex subunit; plus strand). Cytogenetic location: 22q12.3.
Variant type: single nucleotide variant.
Coding change: c.3436C>T on transcript NM_001242896.3 (MANE Select); coding-DNA position 3436, C replaced by T.
Protein change: p.Gln1146Ter; replaces glutamine 1146 with a stop codon.
Molecular consequence: nonsense. On other transcripts: non-coding transcript variant (5).
Genome position (GRCh38, 1-based): chr22:31,870,695, C>T. VCF-style: chr22-31870695-C-T. GRCh37 (hg19) VCF-style: chr22-32266681-C-T.
Other names: c.3436C>T (NM_001242896.2); c.3409C>T, p.Gln1137Ter (NM_001136029.4); c.3136C>T, p.Gln1046Ter (NM_001242897.2); c.3370C>T, p.Gln1124Ter (NM_001363852.2, NM_001364320.2); c.3202C>T, p.Gln1068Ter (NM_001363854.2, NM_001364319.2); c.3436C>T, p.Gln1146Ter (NM_001364318.2); c.3352C>T, p.Gln1118Ter (NM_001369901.1, NM_001369902.1); c.3343C>T, p.Gln1115Ter (NM_001369903.1, NM_014662.6); short protein forms Q1146*, Q1046*, Q1068*, Q1115*, Q1118*, Q1124*, Q1137*.
Identifiers: ClinVar variation 961839 (VCV000961839.8), dbSNP rs2092816377, ClinGen allele CA411296776.

ClinVar aggregate classification (germline): Pathogenic. Review status: criteria provided, multiple submitters, no conflicts (2 of 4 stars). 2 submissions from 2 submitters: Pathogenic (2). Last evaluated 2023-12-21.

Conditions:
Epilepsy, familial focal, with variable foci 1 (FFEVF1). Also called: DEPDC5-Related Epilepsy. Identifiers: MedGen C4551983, MONDO:0024556, OMIM 604364.
Familial focal epilepsy with variable foci (FPEVF). Identifiers: Orphanet 98820, MedGen C1858477, MONDO:0020310.

Allele frequency attached by ClinVar (database versions not stated): gnomAD exomes below 0.00001.
gnomAD v4.1: 1 of 1,602,454 alleles (0.000062%); highest among the groups gnomAD compares: Non-Finnish European, 0.000085%; no homozygotes.

Submissions (2):

Victorian Clinical Genetics Services, Murdoch Childrens Research Institute
Classification: Pathogenic for Epilepsy, familial focal, with variable foci 1. Last evaluated: 2023-12-21. Review status: criteria provided, single submitter. Criteria: ACMG Guidelines, 2015. Collection method: clinical testing. Allele origin: germline. Inheritance: Autosomal dominant inheritance. Affected: yes.
Comment: Based on the classification scheme VCGS_Germline_v1.3.4, this variant is classified as Pathogenic. Following criteria are met: 0102 - Loss of function is a known mechanism of disease in this gene and is associated with familial focal epilepsy with variable foci 1 (MIM#604364). (I) 0107 - This gene is associated with autosomal dominant disease. (I) 0112 - The condition associated with this gene has incomplete penetrance. Unaffected individuals with pathogenic familial variants are commonly reported, with penetrance estimated to be between 66% and 70% (PMIDs: 30767899, 32848577). (I) 0115 - Variants in this gene are known to have variable expressivity. Disease presentation in affected individuals is known to vary considerably even within the same family, from mild febrile seizures to severe focal epilepsy with cortical malformations (PMIDs: 27066554, 32848577). (I) 0201 - Variant is predicted to cause nonsense-mediated decay (NMD) and loss of protein (premature termination codon is located at least 54 nucleotides upstream of the final exon-exon junction). (SP) 0251 - This variant is heterozygous. (I) 0301 - Variant is absent from gnomAD (both v2 and v3). (SP) 0701 - Other NMD-predicted variants comparable to the one identified in this case have very strong previous evidence for pathogenicity. Many NMD-predicted variants have previously been reported as pathogenic in patients with familial focal epilepsy with variable foci 1 (ClinVar). (SP) 0803 - This variant has limited previous evidence of pathogenicity in unrelated individuals. This variant has been reported once as pathogenic in ClinVar and has also been observed in the literature in an individual with sleep-related hypermotor epilepsy (ClinVar, PMID: 37422919). (SP) 0905 - No published segregation evidence has been identified for this variant. (I) 1007 - No published functional evidence has been identified for this variant. (I) Legend: (SP) - Supporting pathogenic, (I) - Information, (SB) - Supporting benign

Labcorp Genetics (formerly Invitae), Labcorp
Classification: Pathogenic for Familial focal epilepsy with variable foci. Last evaluated: 2022-07-19. Review status: criteria provided, single submitter. Criteria: Invitae Variant Classification Sherloc (09022015). Collection method: clinical testing. Allele origin: germline.
Comment: For these reasons, this variant has been classified as Pathogenic. ClinVar contains an entry for this variant (Variation ID: 961839). This variant has not been reported in the literature in individuals affected with DEPDC5-related conditions. This variant is not present in population databases (gnomAD no frequency). This sequence change creates a premature translational stop signal (p.Gln1146*) in the DEPDC5 gene. It is expected to result in an absent or disrupted protein product. Loss-of-function variants in DEPDC5 are known to be pathogenic (PMID: 23542697, 23542701).

Literature cited by the submitters: PubMed 27066554 (cited by Victorian Clinical Genetics Services, Murdoch Childrens Research Institute); PubMed 30767899 (cited by Victorian Clinical Genetics Services, Murdoch Childrens Research Institute); PubMed 32848577 (cited by Victorian Clinical Genetics Services, Murdoch Childrens Research Institute); PubMed 37422919 (cited by Victorian Clinical Genetics Services, Murdoch Childrens Research Institute); PubMed 23542697 (cited by Labcorp Genetics (formerly Invitae), Labcorp); PubMed 23542701 (cited by Labcorp Genetics (formerly Invitae), Labcorp).